The following is an entry in ClinVar:

NM_002691.4(POLD1):c.841-19G>C

Gene: POLD1 (DNA polymerase delta 1, catalytic subunit; plus strand). Cytogenetic location: 19q13.33.
Variant type: single nucleotide variant.
Coding change: c.841-19G>C on transcript NM_002691.4 (MANE Select); 19 bases into the intron before coding-DNA position 841, G replaced by C.
Molecular consequence: intron variant.
Genome position (GRCh38, 1-based): chr19:50,402,593, G>C. VCF-style: chr19-50402593-G-C. GRCh37 (hg19) VCF-style: chr19-50905850-G-C.
Other names: c.841-19G>C (NM_001256849.1, NM_001308632.1).
Identifiers: ClinVar variation 2860180 (VCV002860180.4), dbSNP rs2122254217, ClinGen allele CA2735977394.

ClinVar aggregate classification (germline): Likely benign. Review status: criteria provided, multiple submitters, no conflicts (2 of 4 stars). 2 submissions from 2 submitters: Likely benign (2). Last evaluated 2025-02-04.

Conditions:
POLD1-related polyposis and colorectal cancer syndrome (CRCS10). Also called: Colorectal cancer 10; COLORECTAL CANCER, SUSCEPTIBILITY TO, ON CHROMOSOME 19q; Colorectal cancer, susceptibility to, 10. Identifiers: Orphanet 220460, MedGen C2675481, MONDO:0012953, OMIM 612591.

Submissions (2):

Myriad Genetics, Inc.
Classification: Likely benign for POLD1-related polyposis and colorectal cancer syndrome. Last evaluated: 2025-02-04. Review status: criteria provided, single submitter. Criteria: Myriad Autosomal Dominant, Autosomal Recessive and X-Linked Classification Criteria (2023). Collection method: clinical testing. Allele origin: unknown.
Comment: This variant is considered likely benign. This variant is intronic and is not expected to impact mRNA splicing.

Labcorp Genetics (formerly Invitae), Labcorp
Classification: Likely benign for POLD1-related polyposis and colorectal cancer syndrome. Last evaluated: 2023-04-28. Review status: criteria provided, single submitter. Criteria: Invitae Variant Classification Sherloc (09022015). Collection method: clinical testing. Allele origin: germline.